The following is an entry in ClinVar:

NM_006767.4(LZTR1):c.1332C>A (p.Asp444Glu)

Gene: LZTR1 (leucine zipper like post translational regulator 1; plus strand). Cytogenetic location: 22q11.21.
Variant type: single nucleotide variant.
Coding change: c.1332C>A on transcript NM_006767.4 (MANE Select); coding-DNA position 1332, C replaced by A.
Protein change: p.Asp444Glu; replaces aspartic acid 444 with glutamic acid.
Molecular consequence: missense variant.
Genome position (GRCh38, 1-based): chr22:20,993,733, C>A. VCF-style: chr22-20993733-C-A. GRCh37 (hg19) VCF-style: chr22-21348022-C-A.
Other names: short protein forms D444E.
Identifiers: ClinVar variation 3252963 (VCV003252963.1), dbSNP rs373226374.

ClinVar aggregate classification (germline): Uncertain significance (1 of 4 stars; one submission).

gnomAD v4.1: 8 of 1,613,262 alleles (0.0005%); highest among the groups gnomAD compares: Non-Finnish European, 0.00068%; no homozygotes.

Submission:

GeneDx
Classification: Uncertain significance. Last evaluated: 2023-09-06. Review status: criteria provided, single submitter. Criteria: GeneDx Variant Classification Process June 2021. Collection method: clinical testing. Allele origin: germline. Affected: yes.
Comment: Not observed at significant frequency in large population cohorts (gnomAD); In silico analysis supports that this missense variant has a deleterious effect on protein structure/function; Has not been previously published as pathogenic or benign to our knowledge; This variant is associated with the following publications: (PMID: Scott2022[preprint])